The following is an entry in ClinVar:

ClinVar aggregate classification (germline): Uncertain significance. Review status: criteria provided, multiple submitters, no conflicts (2 of 4 stars). 2 submissions from 2 submitters: Uncertain significance (2). Last evaluated 2025-07-29.

Conditions:
Tuberous sclerosis 1 (TSC1). Identifiers: Orphanet 805, MedGen C1854465, MONDO:0008612, OMIM 191100.
Hereditary cancer-predisposing syndrome. Also called: Neoplastic Syndromes, Hereditary; Hereditary neoplastic syndrome; Tumor predisposition; Hereditary Cancer Syndrome. Identifiers: Orphanet 140162, MedGen C0027672, MeSH D009386, MONDO:0015356.

Submissions (2):

Ambry Genetics
Classification: Uncertain significance for Hereditary cancer-predisposing syndrome. Last evaluated: 2025-07-29. Review status: criteria provided, single submitter. Criteria: Ambry Variant Classification Scheme 2023. Collection method: clinical testing. Allele origin: germline.
Comment: The p.T62A variant (also known as c.184A>G), located in coding exon 2 of the TSC1 gene, results from an A to G substitution at nucleotide position 184. The threonine at codon 62 is replaced by alanine, an amino acid with similar properties. This amino acid position is not well conserved in available vertebrate species. In addition, this alteration is predicted to be tolerated by in silico analysis. Based on the available evidence, the clinical significance of this variant remains unclear.

Labcorp Genetics (formerly Invitae), Labcorp
Classification: Uncertain significance for Tuberous sclerosis 1. Last evaluated: 2023-01-24. Review status: criteria provided, single submitter. Criteria: Invitae Variant Classification Sherloc (09022015). Collection method: clinical testing. Allele origin: germline.
Comment: In summary, the available evidence is currently insufficient to determine the role of this variant in disease. Therefore, it has been classified as a Variant of Uncertain Significance. Advanced modeling of protein sequence and biophysical properties (such as structural, functional, and spatial information, amino acid conservation, physicochemical variation, residue mobility, and thermodynamic stability) performed at Invitae indicates that this missense variant is not expected to disrupt TSC1 protein function. This variant has not been reported in the literature in individuals affected with TSC1-related conditions. This variant is not present in population databases (gnomAD no frequency). This sequence change replaces threonine, which is neutral and polar, with alanine, which is neutral and non-polar, at codon 62 of the TSC1 protein (p.Thr62Ala).

NM_000368.5(TSC1):c.184A>G (p.Thr62Ala)

Gene: TSC1 (TSC complex subunit 1; minus strand). Cytogenetic location: 9q34.13.
Variant type: single nucleotide variant.
Coding change: c.184A>G on transcript NM_000368.5 (MANE Select); coding-DNA position 184, A replaced by G.
Protein change: p.Thr62Ala; replaces threonine 62 with alanine.
Molecular consequence: missense variant. On other transcripts: 5 prime UTR variant (9), non-coding transcript variant (4), intron variant (9).
Genome position (GRCh38, 1-based): chr9:132,927,227, T>C on the plus strand (A>G on the coding strand, the complement: TSC1 is on the minus strand). VCF-style: chr9-132927227-T-C. GRCh37 (hg19) VCF-style: chr9-135802614-T-C.
Other names: c.184A>G, p.Thr62Ala (NM_001406592.1, NM_001406593.1, NM_001406594.1 and 21 more transcripts); c.-305A>G (NM_001406615.1, NM_001406623.1); c.-272A>G (NM_001406616.1, NM_001406624.1); c.-694A>G (NM_001406626.1, NM_001406627.1, NM_001406628.1); c.-836A>G (NM_001406629.1); c.-910A>G (NM_001406630.1); c.-153-1488A>G (NM_001406620.1, NM_001406618.1, NM_001406625.1 and 5 more transcripts); c.-245-1488A>G (NM_001406614.1); short protein forms T62A.
Identifiers: ClinVar variation 2710446 (VCV002710446.4), dbSNP rs2132266508, ClinGen allele CA375375078.